The following is an entry in ClinVar:

NM_153026.3(PRICKLE1):c.434C>T (p.Ala145Val)

Gene: PRICKLE1 (prickle planar cell polarity protein 1; minus strand). Cytogenetic location: 12q12.
Variant type: single nucleotide variant.
Coding change: c.434C>T on transcript NM_153026.3 (MANE Select); coding-DNA position 434, C replaced by T.
Protein change: p.Ala145Val; replaces alanine 145 with valine.
Molecular consequence: missense variant.
Genome position (GRCh38, 1-based): chr12:42,468,780, G>A on the plus strand (C>T on the coding strand, the complement: PRICKLE1 is on the minus strand). VCF-style: chr12-42468780-G-A. GRCh37 (hg19) VCF-style: chr12-42862582-G-A.
Other names: c.434C>T, p.Ala145Val (NM_001144881.2, NM_001144882.2, NM_001144883.2); short protein forms A145V.
Identifiers: ClinVar variation 197880 (VCV000197880.12), dbSNP rs765119777, ClinGen allele CA246267.

ClinVar aggregate classification (germline): Uncertain significance. Review status: criteria provided, multiple submitters, no conflicts (2 of 4 stars). 4 submissions from 4 submitters: Uncertain significance (4). Last evaluated 2023-12-11.

Conditions:
Epilepsy, progressive myoclonic, 1B. Also called: PME. Identifiers: Orphanet 308, MedGen C2676254, MONDO:0012904, OMIM 612437.

Allele frequency attached by ClinVar (database versions not stated): gnomAD 0.00002; gnomAD exomes 0.00004 and 0.00009; ExAC 0.00003; TOPMed 0.00002.
gnomAD v4.1: 57 of 1,613,982 alleles (0.0035%); highest among the groups gnomAD compares: Admixed American, 0.025%; no homozygotes.

Submissions (4):

Labcorp Genetics (formerly Invitae), Labcorp
Classification: Uncertain significance for Epilepsy, progressive myoclonic, 1B. Last evaluated: 2023-12-11. Review status: criteria provided, single submitter. Criteria: Invitae Variant Classification Sherloc (09022015). Collection method: clinical testing. Allele origin: germline.
Comment: This sequence change replaces alanine, which is neutral and non-polar, with valine, which is neutral and non-polar, at codon 145 of the PRICKLE1 protein (p.Ala145Val). This variant is present in population databases (rs765119777, gnomAD 0.04%). This variant has not been reported in the literature in individuals affected with PRICKLE1-related conditions. ClinVar contains an entry for this variant (Variation ID: 197880). Advanced modeling of protein sequence and biophysical properties (such as structural, functional, and spatial information, amino acid conservation, physicochemical variation, residue mobility, and thermodynamic stability) performed at Invitae indicates that this missense variant is not expected to disrupt PRICKLE1 protein function with a negative predictive value of 80%. In summary, the available evidence is currently insufficient to determine the role of this variant in disease. Therefore, it has been classified as a Variant of Uncertain Significance.

Fulgent Genetics
Classification: Uncertain significance for Epilepsy, progressive myoclonic, 1B. Last evaluated: 2018-10-31. Review status: criteria provided, single submitter. Criteria: ACMG Guidelines, 2015. Collection method: clinical testing. Allele origin: unknown.

Ambry Genetics
Classification: Uncertain significance. Last evaluated: 2017-07-17. Review status: criteria provided, single submitter. Criteria: Ambry Variant Classification Scheme 2023. Collection method: clinical testing. Allele origin: germline.
Comment: The p.A145V variant (also known as c.434C>T), located in coding exon 4 of the PRICKLE1 gene, results from a C to T substitution at nucleotide position 434. The alanine at codon 145 is replaced by valine, an amino acid with similar properties. This amino acid position is highly conserved in available vertebrate species. In addition, the in silico prediction for this alteration is inconclusive. Since supporting evidence is limited at this time, the clinical significance of this alteration remains unclear.

Eurofins Ntd Llc (ga)
Classification: Uncertain significance. Last evaluated: 2015-03-31. Review status: criteria provided, single submitter. Criteria: EGL Classification Definitions 2015. Collection method: clinical testing. Allele origin: germline. Observed: 1 variant allele, 1 heterozygote.